The following is an entry in ClinVar:

NM_003919.3(SGCE):c.663-9dup

Genes: CASD1 (CAS1 domain sialic acid O acetyltransferase 1; plus strand), SGCE (sarcoglycan epsilon; minus strand). Cytogenetic location: 7q21.3.
Variant type: Duplication.
Coding change: c.663-9dup on transcript NM_003919.3 (MANE Select); 9 bases into the intron before coding-DNA position 663, one base duplicated (T; older notation c.663-9dupT).
Molecular consequence: intron variant.
Genome position (GRCh38, 1-based): chr7:94,603,457, A duplicated on the plus strand (T on the coding strand, the reverse complement: SGCE is on the minus strand); the first of 5 consecutive A bases (chr7:94,603,457-94,603,461); duplicating any one gives the same sequence. VCF-style (leftmost placement, unchanged base first): chr7-94603456-T-TA. GRCh37 (hg19) VCF-style: chr7-94232768-T-TA.
Other names: c.540-9dup (NM_001362809.2, NM_001301139.2); c.663-9dup (NM_001346717.2, NM_001099400.2, NM_001099401.2); c.771-9dup (NM_001346715.2, NM_001346713.2); c.576-9dup (NM_001362807.2, NM_001346719.2); c.390-9dup (NM_001362808.2, NM_001346720.2); c.663-5dup (NM_003919.2).
Identifiers: ClinVar variation 419890 (VCV000419890.11), dbSNP rs757096943, ClinGen allele CA4348741.
Genomic context (GRCh38, chr7:94,603,456, plus strand): 5'-TCAACTTCTCGTAAACAAGAAGAAAACGGGACATCTGCACCAACCATGACATAAACGCTG[T>TA]AAAAATGTGAAACTCTCAGGTTATCCTTTAAGAAAATTGAAAACACTAAAAAACAATCCA-3'

ClinVar aggregate classification (germline): Benign/Likely benign. Review status: criteria provided, multiple submitters, no conflicts (2 of 4 stars). 2 submissions from 2 submitters: Benign (1); Likely benign (1). Last evaluated 2026-01-04.

Conditions:
Myoclonic dystonia 11 (DYT11). Also called: Myoclonic dystonia; Dystonia 11; Dystonia, alcohol responsive; Hereditary essential myoclonus; SGCE Myoclonus-Dystonia; DYT-SGCE. Identifiers: Orphanet 36899, MedGen C1834570, MONDO:0008044, OMIM 159900.

Submissions (2):

Labcorp Genetics (formerly Invitae), Labcorp
Classification: Benign for Myoclonic dystonia 11. Last evaluated: 2026-01-04. Review status: criteria provided, single submitter. Criteria: Invitae Variant Classification Sherloc (09022015). Collection method: clinical testing. Allele origin: germline.

GeneDx
Classification: Likely benign. Last evaluated: 2015-10-23. Review status: criteria provided, single submitter. Criteria: GeneDx Variant Classification (06012015). Collection method: clinical testing. Allele origin: germline. Affected: yes.
Comment: This variant is considered likely benign or benign based on one or more of the following criteria: it is a conservative change, it occurs at a poorly conserved position in the protein, it is predicted to be benign by multiple in silico algorithms, and/or has population frequency not consistent with disease.